The following is an entry in ClinVar:

ClinVar aggregate classification (germline): Pathogenic. Review status: criteria provided, multiple submitters, no conflicts (2 of 4 stars). 2 submissions from 2 submitters: Pathogenic (2). Last evaluated 2020-02-04.

Conditions:
Neurofibromatosis, type 1 (NF1). Also called: VON RECKLINGHAUSEN DISEASE; NEUROFIBROMATOSIS, TYPE I, SOMATIC; Peripheral type neurofibromatosis; Neurofibromatosis, type I. Identifiers: Orphanet 636, MedGen C0027831, MONDO:0018975, OMIM 162200. Disease mechanism: loss of function.
Hereditary cancer-predisposing syndrome. Also called: Neoplastic Syndromes, Hereditary; Tumor predisposition; Hereditary Cancer Syndrome; Hereditary neoplastic syndrome. Identifiers: Orphanet 140162, MedGen C0027672, MeSH D009386, MONDO:0015356.
Cardiovascular phenotype. Identifiers: MedGen CN230736.

Submissions (2):

Ambry Genetics
Classification: Pathogenic for Cardiovascular phenotype; Hereditary cancer-predisposing syndrome. Last evaluated: 2020-02-04. Review status: criteria provided, single submitter. Criteria: Ambry Variant Classification Scheme 2023. Collection method: clinical testing. Allele origin: germline.
Comment: The c.5472delT pathogenic mutation, located in coding exon 37 of the NF1 gene, results from a deletion of one nucleotide at nucleotide position 5472, causing a translational frameshift with a predicted alternate stop codon (p.R1825Gfs*17). This alteration is expected to result in loss of function by premature protein truncation or nonsense-mediated mRNA decay. As such, this alteration is interpreted as a disease-causing mutation.

Labcorp Genetics (formerly Invitae), Labcorp
Classification: Pathogenic for Neurofibromatosis, type 1. Last evaluated: 2018-07-06. Review status: criteria provided, single submitter. Criteria: Invitae Variant Classification Sherloc (09022015). Collection method: clinical testing. Allele origin: germline.
Comment: This sequence change creates a premature translational stop signal (p.Arg1825Glyfs*17) in the NF1 gene. It is expected to result in an absent or disrupted protein product. This variant is not present in population databases (ExAC no frequency). For these reasons, this variant has been classified as Pathogenic. Loss-of-function variants in NF1 are known to be pathogenic (PMID: 10712197, 23913538).

Literature cited by the submitters: PubMed 10712197 (cited by Labcorp Genetics (formerly Invitae), Labcorp); PubMed 23913538 (cited by Labcorp Genetics (formerly Invitae), Labcorp).

NM_001042492.3(NF1):c.5535del (p.Arg1846fs)

Gene: NF1 (neurofibromin 1; plus strand). Cytogenetic location: 17q11.2.
Variant type: Deletion.
Coding change: c.5535del on transcript NM_001042492.3 (MANE Select); coding-DNA position 5535, one base deleted (T; older notation c.5535delT).
Protein change: p.Arg1846fs; shifts the reading frame from arginine 1846.
Molecular consequence: frameshift variant.
Genome position (GRCh38, 1-based): chr17:31,327,765, T deleted; the last of 2 consecutive T bases (chr17:31,327,764-31,327,765); deleting either gives the same sequence. VCF-style (leftmost placement, unchanged base first): chr17-31327763-AT-A. GRCh37 (hg19) VCF-style: chr17-29654781-AT-A.
Other names: c.5472delT (NM_000267.3); c.5472delT, p.Arg1825Glyfs (NM_000267.4); short protein forms R1825fs, R1846fs.
Identifiers: ClinVar variation 565311 (VCV000565311.9), dbSNP rs1567612647, ClinGen allele CA891844398.